The following is an entry in ClinVar:

ClinVar aggregate classification (germline): Uncertain significance (1 of 4 stars; one submission).

Conditions:
Familial temporal lobe epilepsy 7. Identifiers: Orphanet 101046, MedGen C4225327, MONDO:0014639, OMIM 616436.
Norman-Roberts syndrome (LIS2). Also called: Lissencephaly 2 (Norman-Roberts type). Identifiers: Orphanet 89844, MedGen C0796089, MONDO:0009760, OMIM 257320.

Allele frequency attached by ClinVar (database versions not stated): gnomAD exomes below 0.00001; gnomAD 0.00001; TOPMed 0.00001.
gnomAD v4.1: 2 of 1,613,982 alleles (0.00012%); highest among the groups gnomAD compares: Admixed American, 0.0033%; no homozygotes.

Submission:

Labcorp Genetics (formerly Invitae), Labcorp
Classification: Uncertain significance for Familial temporal lobe epilepsy 7; Norman-Roberts syndrome. Last evaluated: 2022-10-03. Review status: criteria provided, single submitter. Criteria: Invitae Variant Classification Sherloc (09022015). Collection method: clinical testing. Allele origin: germline.
Comment: This sequence change replaces glutamine, which is neutral and polar, with arginine, which is basic and polar, at codon 1624 of the RELN protein (p.Gln1624Arg). This variant is present in population databases (no rsID available, gnomAD 0.003%). This variant has not been reported in the literature in individuals affected with RELN-related conditions. Advanced modeling of protein sequence and biophysical properties (such as structural, functional, and spatial information, amino acid conservation, physicochemical variation, residue mobility, and thermodynamic stability) performed at Invitae indicates that this missense variant is not expected to disrupt RELN protein function. In summary, the available evidence is currently insufficient to determine the role of this variant in disease. Therefore, it has been classified as a Variant of Uncertain Significance.

NM_005045.4(RELN):c.4871A>G (p.Gln1624Arg)

Gene: RELN (reelin; minus strand). Cytogenetic location: 7q22.1.
Variant type: single nucleotide variant.
Coding change: c.4871A>G on transcript NM_005045.4 (MANE Select); coding-DNA position 4871, A replaced by G.
Protein change: p.Gln1624Arg; replaces glutamine 1624 with arginine.
Molecular consequence: missense variant.
Genome position (GRCh38, 1-based): chr7:103,566,289, T>C on the plus strand (A>G on the coding strand, the complement: RELN is on the minus strand). VCF-style: chr7-103566289-T-C. GRCh37 (hg19) VCF-style: chr7-103206736-T-C.
Other names: c.4871A>G, p.Gln1624Arg (NM_173054.3); short protein forms Q1624R.
Identifiers: ClinVar variation 1716468 (VCV001716468.5), dbSNP rs1285457623, ClinGen allele CA368747898.